The following is an entry in ClinVar:

NM_201384.3(PLEC):c.6284A>T (p.Glu2095Val)

Gene: PLEC (plectin; minus strand). Cytogenetic location: 8q24.3.
Variant type: single nucleotide variant.
Coding change: c.6284A>T on transcript NM_201384.3 (MANE Select); coding-DNA position 6284, A replaced by T.
Protein change: p.Glu2095Val; replaces glutamic acid 2095 with valine.
Molecular consequence: missense variant.
Genome position (GRCh38, 1-based): chr8:143,923,645, T>A on the plus strand (A>T on the coding strand, the complement: PLEC is on the minus strand). VCF-style: chr8-143923645-T-A. GRCh37 (hg19) VCF-style: chr8-144997813-T-A.
Other names: c.6365A>T (NM_000445.3); c.6365A>T, p.Glu2122Val (NM_000445.5); c.6242A>T, p.Glu2081Val (NM_201378.4); c.6218A>T, p.Glu2073Val (NM_201379.3); c.6695A>T, p.Glu2232Val (NM_201380.4); c.6188A>T, p.Glu2063Val (NM_201381.3); c.6284A>T, p.Glu2095Val (NM_201382.4); c.6296A>T, p.Glu2099Val (NM_201383.3); short protein forms E2232V, E2073V, E2122V, E2081V, E2095V, E2063V, E2099V.
Identifiers: ClinVar variation 2107584 (VCV002107584.5), dbSNP rs923805947, ClinGen allele CA372537302.

ClinVar aggregate classification (germline): Uncertain significance. Review status: criteria provided, multiple submitters, no conflicts (2 of 4 stars). 2 submissions from 2 submitters: Uncertain significance (2). Last evaluated 2024-11-04.

Conditions:
Epidermolysis bullosa simplex 5C, with pyloric atresia (EBS5C). Also called: PLEC-Related Epidermolysis Bullosa with Pyloric Atresia; Epidermolysis bullosa simplex with pyloric atresia; PLEC1-Related Epidermolysis Bullosa with Pyloric Atresia. Identifiers: Orphanet 158684, MedGen C2677349, MONDO:0012807, OMIM 612138.
Autosomal recessive limb-girdle muscular dystrophy type 2Q (LGMDR17). Also called: MUSCULAR DYSTROPHY, LIMB-GIRDLE, AUTOSOMAL RECESSIVE 17. Identifiers: Orphanet 254361, MedGen C3150989, MONDO:0013390, OMIM 613723.
Epidermolysis bullosa simplex, Ogna type (EBS5A). Also called: Pidermolysis bullosa simplex 5A, Ogna type; EPIDERMOLYSIS BULLOSA SIMPLEX 5A, OGNA TYPE. Identifiers: Orphanet 79401, MedGen C0432317, MONDO:0007555, OMIM 131950.
Epidermolysis bullosa simplex 5B, with muscular dystrophy (EBS5B). Also called: Epidermolysis bullosa simplex with muscular dystrophy; EPIDERMOLYSIS BULLOSA SIMPLEX AND LIMB-GIRDLE MUSCULAR DYSTROPHY. Identifiers: Orphanet 257, MedGen C2931072, MONDO:0009181, OMIM 226670.
Epidermolysis bullosa simplex with nail dystrophy (EBS5D). Identifiers: MedGen C4225309, MONDO:0014661, OMIM 616487.
Inborn genetic diseases. Identifiers: MedGen C0950123, MeSH D030342.

Allele frequency attached by ClinVar (database versions not stated): TOPMed 0.00001.
gnomAD v4.1: 1 of 1,575,386 alleles (0.000063%); highest among the groups gnomAD compares: Admixed American, 0.0017%; no homozygotes.

Submissions (2):

Labcorp Genetics (formerly Invitae), Labcorp
Classification: Uncertain significance for Autosomal recessive limb-girdle muscular dystrophy type 2Q; Epidermolysis bullosa simplex, Ogna type; Epidermolysis bullosa simplex with nail dystrophy; Epidermolysis bullosa simplex 5C, with pyloric atresia; Epidermolysis bullosa simplex 5B, with muscular dystrophy. Last evaluated: 2024-11-04. Review status: criteria provided, single submitter. Criteria: Invitae Variant Classification Sherloc (09022015). Collection method: clinical testing. Allele origin: germline.
Comment: This sequence change replaces glutamic acid, which is acidic and polar, with valine, which is neutral and non-polar, at codon 2122 of the PLEC protein (p.Glu2122Val). This variant is present in population databases (no rsID available, gnomAD 0.003%). This variant has not been reported in the literature in individuals affected with PLEC-related conditions. ClinVar contains an entry for this variant (Variation ID: 2107584). An algorithm developed to predict the effect of missense changes on protein structure and function (PolyPhen-2) suggests that this variant is likely to be tolerated. In summary, the available evidence is currently insufficient to determine the role of this variant in disease. Therefore, it has been classified as a Variant of Uncertain Significance.

Ambry Genetics
Classification: Uncertain significance for Inborn genetic diseases. Last evaluated: 2024-04-15. Review status: criteria provided, single submitter. Criteria: Ambry Variant Classification Scheme 2023. Collection method: clinical testing. Allele origin: germline.